The following is an entry in ClinVar:

NM_001244926.2(PRPF4):c.842A>G (p.His281Arg)

Gene: PRPF4 (pre-mRNA splicing tri-snRNP complex factor PRPF4; plus strand). Cytogenetic location: 9q32.
Variant type: single nucleotide variant.
Coding change: c.842A>G on transcript NM_001244926.2 (MANE Select); coding-DNA position 842, A replaced by G.
Protein change: p.His281Arg; replaces histidine 281 with arginine.
Molecular consequence: missense variant. On other transcripts: non-coding transcript variant (2).
Genome position (GRCh38, 1-based): chr9:113,286,738, A>G. VCF-style: chr9-113286738-A-G. GRCh37 (hg19) VCF-style: chr9-116049018-A-G.
Other names: c.116A>G, p.His39Arg (NM_001322266.2, NM_001322267.2); c.845A>G, p.His282Arg (NM_004697.5); short protein forms H282R, H281R, H39R.
Identifiers: ClinVar variation 2041755 (VCV002041755.4), dbSNP rs2490826463, ClinGen allele CA374553982.

ClinVar aggregate classification (germline): Uncertain significance (1 of 4 stars; one submission).

Submission:

Labcorp Genetics (formerly Invitae), Labcorp
Classification: Uncertain significance. Last evaluated: 2022-06-04. Review status: criteria provided, single submitter. Criteria: Invitae Variant Classification Sherloc (09022015). Collection method: clinical testing. Allele origin: germline.
Comment: In summary, the available evidence is currently insufficient to determine the role of this variant in disease. Therefore, it has been classified as a Variant of Uncertain Significance. Algorithms developed to predict the effect of missense changes on protein structure and function are either unavailable or do not agree on the potential impact of this missense change (SIFT: "Tolerated"; PolyPhen-2: "Possibly Damaging"; Align-GVGD: "Class C0"). This variant has not been reported in the literature in individuals affected with PRPF4-related conditions. This variant is not present in population databases (gnomAD no frequency). This sequence change replaces histidine, which is basic and polar, with arginine, which is basic and polar, at codon 282 of the PRPF4 protein (p.His282Arg).